The following is an entry in ClinVar:

NM_201384.3(PLEC):c.3841-57C>T

Gene: PLEC (plectin; minus strand). Cytogenetic location: 8q24.3.
Variant type: single nucleotide variant.
Coding change: c.3841-57C>T on transcript NM_201384.3 (MANE Select); 57 bases into the intron before coding-DNA position 3841, C replaced by T.
Molecular consequence: intron variant.
Genome position (GRCh38, 1-based): chr8:143,927,138, G>A on the plus strand (C>T on the coding strand, the complement: PLEC is on the minus strand). VCF-style: chr8-143927138-G-A. GRCh37 (hg19) VCF-style: chr8-145001306-G-A.
Other names: c.3922-57C>T (NM_000445.5); c.3799-57C>T (NM_201378.4); c.3775-57C>T (NM_201379.3); c.4252-57C>T (NM_201380.4); c.3745-57C>T (NM_201381.3); c.3841-57C>T (NM_201382.4); c.3853-57C>T (NM_201383.3).
Identifiers: ClinVar variation 673058 (VCV000673058.2), dbSNP rs113473982, ClinGen allele CA187617990.

ClinVar aggregate classification (germline): Benign. Review status: criteria provided, multiple submitters, no conflicts (2 of 4 stars). 2 submissions from 2 submitters: Benign (2). Last evaluated 2018-06-18.

Allele frequency attached by ClinVar (database versions not stated): gnomAD 0.05927 and 0.06349; 1000 Genomes Project 0.06569; TOPMed 0.06783; 1000 Genomes Project 30x 0.07152.
gnomAD v4.1: 18,825 of 1,559,134 alleles (1.2%); highest among the groups gnomAD compares: African/African-American, 20%; 1,585 homozygotes.

Submissions (2):

GeneDx
Classification: Benign. Last evaluated: 2018-06-18. Review status: criteria provided, single submitter. Criteria: GeneDx Variant Classification (06012015). Collection method: clinical testing. Allele origin: germline. Affected: yes.
Comment: This variant is considered likely benign or benign based on one or more of the following criteria: it is a conservative change, it occurs at a poorly conserved position in the protein, it is predicted to be benign by multiple in silico algorithms, and/or has population frequency not consistent with disease.

Breakthrough Genomics
Classification: Benign. Review status: criteria provided, single submitter. Criteria: ACMG Guidelines, 2015. Collection method: not provided. Allele origin: germline. Inheritance: Autosomal recessive inheritance. Affected: yes.